The following is an entry in ClinVar:

NM_007294.4(BRCA1):c.577A>G (p.Lys193Glu)

Gene: BRCA1 (BRCA1 DNA repair associated; minus strand). Cytogenetic location: 17q21.31.
Variant type: single nucleotide variant.
Coding change: c.577A>G on transcript NM_007294.4 (MANE Select); coding-DNA position 577, A replaced by G.
Protein change: p.Lys193Glu; replaces lysine 193 with glutamic acid.
Molecular consequence: missense variant. On other transcripts: non-coding transcript variant (1).
Genome position (GRCh38, 1-based): chr17:43,097,260, T>C on the plus strand (A>G on the coding strand, the complement: BRCA1 is on the minus strand). VCF-style: chr17-43097260-T-C. GRCh37 (hg19) VCF-style: chr17-41249277-T-C.
Other names: c.364A>G, p.Lys122Glu (NM_001407571.1, NM_001407853.1, NM_001407894.1 and 12 more transcripts); c.577A>G, p.Lys193Glu (NM_001407581.1, NM_001407582.1, NM_001407583.1 and 59 more transcripts); c.574A>G, p.Lys192Glu (NM_001407587.1, NM_001407590.1, NM_001407591.1 and 41 more transcripts); c.433A>G, p.Lys145Glu (NM_001407847.1, NM_001407848.1, NM_001407849.1 and 26 more transcripts); c.436A>G, p.Lys146Glu (NM_001407850.1, NM_001407851.1, NM_001407852.1 and 43 more transcripts); c.367A>G, p.Lys123Glu (NM_001407879.1, NM_001407881.1, NM_001407882.1 and 27 more transcripts); c.196A>G, p.Lys66Glu (NM_001407959.1, NM_001407960.1, NM_001407963.1 and 1 more transcripts); c.193A>G, p.Lys65Glu (NM_001407962.1); and 4 more; short protein forms K193E, K146E, K190E, K65E, K122E, K148E, K123E, K145E.
Identifiers: ClinVar variation 240826 (VCV000240826.13), dbSNP rs878854962, ClinGen allele CA10583589.
Genomic context (GRCh38, chr17:43,097,260, plus strand): 5'-TAGGAAAATACCAGCTTCATAGACAAAGGTTCTCTTTGACTCACCTGCAATAAGTTGCCT[T>C]ATTAACGGTATCTTCAGAAGAATCAGATCCTAAAAAATTTCCCCCCAAAAAATAAATCAA-3'
Protein context (NP_009225.1, residues 183-203): GSDSSEDTVN[Lys193Glu]ATYCSVGDQE

ClinVar aggregate classification (germline): Conflicting classifications of pathogenicity. Review status: criteria provided, conflicting classifications (1 of 4 stars). 4 submissions from 4 submitters: Uncertain significance (3); Benign (1). Last evaluated 2022-05-04.

Conditions:
Hereditary cancer-predisposing syndrome. Also called: Tumor predisposition; Neoplastic Syndromes, Hereditary; Hereditary Cancer Syndrome; Hereditary neoplastic syndrome. Identifiers: Orphanet 140162, MedGen C0027672, MeSH D009386, MONDO:0015356.
Hereditary breast ovarian cancer syndrome. Also called: Hereditary breast and ovarian cancer syndrome; Hereditary breast and ovarian cancer; Hereditary breast and ovarian cancer syndrome (HBOC); Hereditary breast and/or ovarian cancer syndrome; Breast and ovarian cancer; BRCA1- and BRCA2-Associated Hereditary Breast and Ovarian Cancer. Identifiers: Orphanet 145, MedGen C0677776, MeSH D061325, MONDO:0003582. Disease mechanism: loss of function.

Submissions (4):

Mendelics
Classification: Benign. Last evaluated: 2022-05-04. Review status: criteria provided, single submitter. Criteria: Mendelics Assertion Criteria 2019. Collection method: clinical testing. Allele origin: germline.

Labcorp Genetics (formerly Invitae), Labcorp
Classification: Uncertain significance for Hereditary breast ovarian cancer syndrome. Last evaluated: 2021-09-02. Review status: criteria provided, single submitter. Criteria: Invitae Variant Classification Sherloc (09022015). Collection method: clinical testing. Allele origin: germline.
Comment: In summary, the available evidence is currently insufficient to determine the role of this variant in disease. Therefore, it has been classified as a Variant of Uncertain Significance. Algorithms developed to predict the effect of missense changes on protein structure and function are either unavailable or do not agree on the potential impact of this missense change (SIFT: "Tolerated"; PolyPhen-2: "Possibly Damaging"; Align-GVGD: "Class C0"). This variant has not been reported in the literature in individuals affected with BRCA1-related conditions. This variant is not present in population databases (ExAC no frequency). This sequence change replaces lysine with glutamic acid at codon 193 of the BRCA1 protein (p.Lys193Glu). The lysine residue is moderately conserved and there is a small physicochemical difference between lysine and glutamic acid.

Ambry Genetics
Classification: Uncertain significance for Hereditary cancer-predisposing syndrome. Last evaluated: 2021-08-25. Review status: criteria provided, single submitter. Criteria: Ambry Variant Classification Scheme 2023. Collection method: clinical testing. Allele origin: germline.
Comment: The p.K193E variant (also known as c.577A>G), located in coding exon 7 of the BRCA1 gene, results from an A to G substitution at nucleotide position 577. The lysine at codon 193 is replaced by glutamic acid, an amino acid with similar properties. This amino acid position is well conserved in available vertebrate species. In addition, this alteration is predicted to be deleterious by in silico analysis. Since supporting evidence is limited at this time, the clinical significance of this alteration remains unclear.

Color Diagnostics, LLC DBA Color Health
Classification: Uncertain significance for Hereditary cancer-predisposing syndrome. Last evaluated: 2019-04-23. Review status: criteria provided, single submitter. Criteria: ACMG Guidelines, 2015. Collection method: clinical testing. Allele origin: germline.